The following is an entry in ClinVar:

NM_001370259.2(MEN1):c.431_432delinsAA (p.Phe144Ter)

Gene: MEN1 (menin 1; minus strand). Cytogenetic location: 11q13.1.
Variant type: Indel.
Coding change: c.431_432delinsAA on transcript NM_001370259.2 (MANE Select); coding-DNA positions 431 to 432, TC replaced by AA.
Protein change: p.Phe144Ter; replaces phenylalanine 144 with a stop codon.
Molecular consequence: nonsense.
Genome position (GRCh38, 1-based): chr11:64,809,678-64,809,679, GA replaced by TT on the plus strand (TC replaced by AA on the coding strand, the reverse complement: MEN1 is on the minus strand). VCF-style: chr11-64809678-GA-TT. GRCh37 (hg19) VCF-style: chr11-64577150-GA-TT.
Other names: c.431_432delinsAA, p.Phe144Ter (NM_000244.4, NM_001370251.2, NM_001370260.2 and 9 more transcripts); c.431_432delTCinsAA (NM_130799.2); short protein forms F144*.
Identifiers: ClinVar variation 428052 (VCV000428052.6), dbSNP rs1114167511, ClinGen allele CA645369508.

ClinVar aggregate classification (germline): Pathogenic (1 of 4 stars; one submission).

Conditions:
Hereditary cancer-predisposing syndrome. Also called: Hereditary Cancer Syndrome; Neoplastic Syndromes, Hereditary; Hereditary neoplastic syndrome; Tumor predisposition. Identifiers: Orphanet 140162, MedGen C0027672, MeSH D009386, MONDO:0015356.

Submission:

Ambry Genetics
Classification: Pathogenic for Hereditary cancer-predisposing syndrome. Last evaluated: 2015-01-07. Review status: criteria provided, single submitter. Criteria: Ambry Variant Classification Scheme 2023. Collection method: clinical testing. Allele origin: germline.
Comment: The c.431_432delTCinsAA pathogenic mutation, located in coding exon 1 of the MEN1 gene, results from a deletion of TC and an insertion of AA at nucleotide positions 431 and 432. This changes the amino acid at codon 144 from a phenylalanine to a stop codon within coding exon 1. This mutation has been reported in a single individual from a cohort of 186 patients with either a clinical diagnosis or suspected diagnosis of multiple endocrine neoplasia type 1 (MEN1) (Ellard S et al. Clin Endocrinol (Oxf). 2005 Feb;62(2):169-75). In addition to the clinical data presented in the literature, since premature stop codons are typically deleterious in nature, this alteration is interpreted as a disease-causing mutation (ACMG Recommendations for Standards for Interpretation and Reporting of Sequence Variations. Revision 2007. Genet Med. 2008;10:294).

Literature cited by the submitters: PubMed 15670192.